The following is an entry in ClinVar:

NC_000002.11:g.(?_112725694)_(112740590_?)del

Gene: MERTK (MER proto-oncogene, tyrosine kinase; plus strand). Cytogenetic location: 2q13.
Variant type: Deletion.
Identifiers: ClinVar variation 3247537 (VCV003247537.1).

ClinVar aggregate classification (germline): Pathogenic (1 of 4 stars; one submission).

Submission:

Labcorp Genetics (formerly Invitae), Labcorp
Classification: Pathogenic. Last evaluated: 2023-02-28. Review status: criteria provided, single submitter. Criteria: Invitae Variant Classification Sherloc (09022015). Collection method: clinical testing. Allele origin: unknown.
Comment: This variant is a gross deletion of the genomic region encompassing exon(s) 6-8 of the MERTK gene. This deletion is out-of-frame, and is expected to create a premature termination codon and result in an absent or disrupted protein product. Loss-of-function variants in MERTK are known to be pathogenic (PMID: 24265693, 29659094). A similar copy number variant has been observed in individual(s) with retinitis pigmentosa (PMID: 28324114). For these reasons, this variant has been classified as Pathogenic.

Literature cited by the submitters: PubMed 24265693; PubMed 29659094; PubMed 28324114.